The following is an entry in ClinVar:

ClinVar aggregate classification (germline): Conflicting classifications of pathogenicity. Review status: criteria provided, conflicting classifications (1 of 4 stars). 5 submissions from 5 submitters: Uncertain significance (1); Likely benign (4). Last evaluated 2025-12-01.

Conditions:
Diffuse pediatric-type high-grade glioma, H3-wildtype and IDH-wildtype. Identifiers: MedGen C5669918, MONDO:0858939.
Familial melanoma. Also called: Hereditary melanoma; Hereditary cutaneous melanoma. Identifiers: Orphanet 618, MedGen C1512419, MONDO:0018961.
Melanoma, cutaneous malignant, susceptibility to, 3. Also called: Cutaneous malignant melanoma 3. Identifiers: Orphanet 618, MedGen C1836892, MONDO:0012183, OMIM 609048.

Allele frequency attached by ClinVar (database versions not stated): gnomAD exomes below 0.00001.
gnomAD v4.1: 2 of 1,614,148 alleles (0.00012%); highest among the groups gnomAD compares: Non-Finnish European, 0.00017%; no homozygotes.

Submissions (5):

Labcorp Genetics (formerly Invitae), Labcorp
Classification: Likely benign for Familial melanoma. Last evaluated: 2025-12-01. Review status: criteria provided, single submitter. Criteria: Invitae Variant Classification Sherloc (09022015). Collection method: clinical testing. Allele origin: germline.

Quest Diagnostics Nichols Institute San Juan Capistrano
Classification: Likely benign. Last evaluated: 2025-03-08. Review status: criteria provided, single submitter. Criteria: Quest Diagnostics criteria. Collection method: clinical testing. Allele origin: unknown.

Myriad Genetics, Inc.
Classification: Likely benign for Melanoma, cutaneous malignant, susceptibility to, 3. Last evaluated: 2024-09-26. Review status: criteria provided, single submitter. Criteria: Myriad Autosomal Dominant, Autosomal Recessive and X-Linked Classification Criteria (2023). Collection method: clinical testing. Allele origin: unknown.
Comment: This variant is considered likely benign. This variant is intronic and is not expected to impact mRNA splicing.

Laboratory of Medical Genetics Unit, Bambino Gesù Children's Hospital
Classification: Uncertain significance for Diffuse pediatric-type high-grade glioma, H3-wildtype and IDH-wildtype. Last evaluated: 2019-10-09. Review status: criteria provided, single submitter. Criteria: ACMG Guidelines, 2015. Collection method: research. Allele origin: germline. Affected: yes. Observed: 1 heterozygote.

GeneDx
Classification: Likely benign. Last evaluated: 2017-07-10. Review status: criteria provided, single submitter. Criteria: GeneDx Variant Classification (06012015). Collection method: clinical testing. Allele origin: germline. Affected: yes.
Comment: This variant is considered likely benign or benign based on one or more of the following criteria: it is a conservative change, it occurs at a poorly conserved position in the protein, it is predicted to be benign by multiple in silico algorithms, and/or has population frequency not consistent with disease.

NM_000075.4(CDK4):c.683+8A>T

Genes: CDK4 (cyclin dependent kinase 4; minus strand), TSPAN31 (tetraspanin 31; plus strand). Cytogenetic location: 12q14.1.
Variant type: single nucleotide variant.
Coding change: c.683+8A>T on transcript NM_000075.4 (MANE Select); 8 bases into the intron after coding-DNA position 683, A replaced by T.
Molecular consequence: intron variant. On other transcripts: 3 prime UTR variant (3).
Genome position (GRCh38, 1-based): chr12:57,749,446, T>A on the plus strand (A>T on the coding strand, the complement: CDK4 is on the minus strand). VCF-style: chr12-57749446-T-A. GRCh37 (hg19) VCF-style: chr12-58143229-T-A.
Other names: c.*2156T>A (NM_001330168.2, NM_001330169.2, NM_005981.5).
Identifiers: ClinVar variation 510755 (VCV000510755.8), dbSNP rs1446831422, ClinGen allele CA605326938.